The following is an entry in ClinVar:

ClinVar aggregate classification (germline): Uncertain significance. Review status: criteria provided, multiple submitters, no conflicts (2 of 4 stars). 2 submissions from 2 submitters: Uncertain significance (2). Last evaluated 2026-08-31.

Conditions:
TUB-related disorder. Also called: TUB-related condition.

gnomAD v4.1: 1 of 1,614,066 alleles (0.000062%); no homozygotes.

Submissions (2):

PreventionGenetics, part of Exact Sciences
Classification: Uncertain significance for TUB-related condition. Last evaluated: 2026-08-31. Review status: criteria provided, single submitter. Criteria: ACMG Guidelines, 2015. Collection method: clinical testing. Allele origin: germline.
Comment: The TUB c.1184A>G variant is predicted to result in the amino acid substitution p.Lys395Arg. To our knowledge, this variant has not been reported in the literature or in a large population database (gnomAD), indicating this variant is rare. At this time, the clinical significance of this variant is uncertain due to the absence of conclusive functional and genetic evidence.

Ambry Genetics
Classification: Uncertain significance. Last evaluated: 2025-12-15. Review status: criteria provided, single submitter. Criteria: Ambry Variant Classification Scheme 2023. Collection method: clinical testing. Allele origin: germline.

NM_177972.3(TUB):c.1019A>G (p.Lys340Arg)

Genes: RIC3 (RIC3 acetylcholine receptor chaperone; minus strand), TUB (TUB bipartite transcription factor; plus strand). Cytogenetic location: 11p15.4.
Variant type: single nucleotide variant.
Coding change: c.1019A>G on transcript NM_177972.3 (MANE Select); coding-DNA position 1019, A replaced by G.
Protein change: p.Lys340Arg; replaces lysine 340 with arginine.
Molecular consequence: missense variant.
Genome position (GRCh38, 1-based): chr11:8,098,778, A>G. VCF-style: chr11-8098778-A-G. GRCh37 (hg19) VCF-style: chr11-8120325-A-G.
Other names: c.1037A>G, p.Lys346Arg (NM_001440538.1, NM_001440539.1); c.869A>G, p.Lys290Arg (NM_001440540.1, NM_001440542.1); c.851A>G, p.Lys284Arg (NM_001440541.1); c.1184A>G, p.Lys395Arg (NM_003320.5); short protein forms K395R, K290R, K346R, K340R, K284R.
Identifiers: ClinVar variation 4833222 (VCV004833222.2).